The following is an entry in ClinVar:

ClinVar aggregate classification (germline): not provided (0 of 4 stars; one submission).

Conditions:
Familial long QT syndrome (RWS). Also called: Congenital long QT syndrome; Romano-Ward syndrome; VENTRICULAR FIBRILLATION WITH PROLONGED QT INTERVAL. Identifiers: Orphanet 768, MedGen C1141890, MONDO:0019171.

Submission:

Cardiovascular Biomedical Research Unit, Royal Brompton & Harefield NHS Foundation Trust
No classification provided. Condition: Familial long QT syndrome. Review status: no classification provided. Collection method: literature only. Allele origin: germline.
Comment: This variant has been reported as associated with Long QT syndrome in the following publications (PMID:15028050). This is a literature report, and does not necessarily reflect the clinical interpretation of the Imperial College / Royal Brompton Cardiovascular Genetics laboratory.

Literature cited by the submitters: PubMed 15028050; PubMed 22581653.

NM_000238.4(KCNH2):c.2117C>G (p.Ser706Cys)

Gene: KCNH2 (potassium voltage-gated channel subfamily H member 2; minus strand). Cytogenetic location: 7q36.1.
Variant type: single nucleotide variant.
Coding change: c.2117C>G on transcript NM_000238.4 (MANE Select); coding-DNA position 2117, C replaced by G.
Protein change: p.Ser706Cys; replaces serine 706 with cysteine.
Molecular consequence: missense variant.
Genome position (GRCh38, 1-based): chr7:150,950,949, G>C on the plus strand (C>G on the coding strand, the complement: KCNH2 is on the minus strand). VCF-style: chr7-150950949-G-C. GRCh37 (hg19) VCF-style: chr7-150648037-G-C.
Other names: c.2117C>G (LRG_288t1); c.1097C>G, p.Ser366Cys (NM_001204798.2, NM_172057.3); c.1829C>G, p.Ser610Cys (NM_001406753.1, NM_001406756.1); c.1940C>G, p.Ser647Cys (NM_001406755.1); c.1817C>G, p.Ser606Cys (NM_001406757.1); c.2117C>G, p.Ser706Cys (NM_172056.3); short protein forms S366C, S706C, S606C, S647C, S610C.
Identifiers: ClinVar variation 67364 (VCV000067364.3), dbSNP rs199472985, ClinGen allele CA006249.